The following is an entry in ClinVar:

NM_000548.5(TSC2):c.2296G>C (p.Val766Leu)

Gene: TSC2 (TSC complex subunit 2; plus strand). Cytogenetic location: 16p13.3.
Variant type: single nucleotide variant.
Coding change: c.2296G>C on transcript NM_000548.5 (MANE Select); coding-DNA position 2296, G replaced by C.
Protein change: p.Val766Leu; replaces valine 766 with leucine.
Molecular consequence: missense variant.
Genome position (GRCh38, 1-based): chr16:2,072,924, G>C. VCF-style: chr16-2072924-G-C. GRCh37 (hg19) VCF-style: chr16-2122925-G-C.
Other names: c.694G>C, p.Val232Leu (NM_001406698.1); c.2296G>C, p.Val766Leu (NM_021055.3, NM_001077183.3, NM_001114382.3 and 6 more transcripts); c.2386G>C, p.Val796Leu (NM_001406667.1, NM_001406668.1); c.2185G>C, p.Val729Leu (NM_001406670.1, NM_001406678.1, NM_001318827.2); c.2284G>C, p.Val762Leu (NM_001406671.1, NM_001406673.1); c.2149G>C, p.Val717Leu (NM_001406675.1, NM_001406676.1, NM_001318829.2 and 1 more transcripts); c.2239G>C, p.Val747Leu (NM_001406677.1); c.952G>C, p.Val318Leu (NM_001406689.1, NM_001406690.1, NM_001406691.1 and 6 more transcripts); and 3 more; short protein forms V766L, V566L, V612L, V717L, V796L, V747L, V762L, V777L.
Identifiers: ClinVar variation 1789178 (VCV001789178.4), dbSNP rs150672640, ClinGen allele CA394276601.
Genomic context (GRCh38, chr16:2,072,924, plus strand): 5'-ACACTGGAGCGGCTCCGAGGCGCCCCAGAAGGCTTCTCCAGAACTGACTTGCACCTGGCC[G>C]TGGTTCCAGTGCTGACAGCATTAATCTCTTACCATAACTACCTGGACAAAACCAAACAGG-3'
Protein context (NP_000539.2, residues 756-776): GFSRTDLHLA[Val766Leu]VPVLTALISY

ClinVar aggregate classification (germline): Uncertain significance. Review status: criteria provided, multiple submitters, no conflicts (2 of 4 stars). 2 submissions from 2 submitters: Uncertain significance (2). Last evaluated 2025-12-20.

Conditions:
Hereditary cancer-predisposing syndrome. Also called: Neoplastic Syndromes, Hereditary; Tumor predisposition; Hereditary neoplastic syndrome; Hereditary Cancer Syndrome. Identifiers: Orphanet 140162, MedGen C0027672, MeSH D009386, MONDO:0015356.
Tuberous sclerosis 2 (TSC2). Identifiers: Orphanet 805, MedGen C1860707, MONDO:0013199, OMIM 613254.

Submissions (2):

Labcorp Genetics (formerly Invitae), Labcorp
Classification: Uncertain significance for Tuberous sclerosis 2. Last evaluated: 2025-12-20. Review status: criteria provided, single submitter. Criteria: Invitae Variant Classification Sherloc (09022015). Collection method: clinical testing. Allele origin: germline.
Comment: This sequence change replaces valine, which is neutral and non-polar, with leucine, which is neutral and non-polar, at codon 766 of the TSC2 protein (p.Val766Leu). This variant is not present in population databases (gnomAD no frequency). This variant has not been reported in the literature in individuals affected with TSC2-related conditions. ClinVar contains an entry for this variant (Variation ID: 1789178). Invitae Evidence Modeling of protein sequence and biophysical properties (such as structural, functional, and spatial information, amino acid conservation, physicochemical variation, residue mobility, and thermodynamic stability) indicates that this missense variant is not expected to disrupt TSC2 protein function with a negative predictive value of 95%. In summary, the available evidence is currently insufficient to determine the role of this variant in disease. Therefore, it has been classified as a Variant of Uncertain Significance.

Ambry Genetics
Classification: Uncertain significance for Hereditary cancer-predisposing syndrome. Last evaluated: 2022-04-21. Review status: criteria provided, single submitter. Criteria: Ambry Variant Classification Scheme 2023. Collection method: clinical testing. Allele origin: germline.
Comment: The p.V766L variant (also known as c.2296G>C), located in coding exon 20 of the TSC2 gene, results from a G to C substitution at nucleotide position 2296. The valine at codon 766 is replaced by leucine, an amino acid with highly similar properties. This amino acid position is conserved. In addition, this alteration is predicted to be deleterious by in silico analysis. Since supporting evidence is limited at this time, the clinical significance of this alteration remains unclear.